The following is an entry in ClinVar:

NM_001271696.3(ABCB7):c.1922C>T (p.Ser641Leu)

Gene: ABCB7 (ATP binding cassette subfamily B member 7; minus strand). Cytogenetic location: Xq13.3.
Variant type: single nucleotide variant.
Coding change: c.1922C>T on transcript NM_001271696.3 (MANE Select); coding-DNA position 1922, C replaced by T.
Protein change: p.Ser641Leu; replaces serine 641 with leucine.
Molecular consequence: missense variant.
Genome position (GRCh38, 1-based): chrX:75,062,341, G>A on the plus strand (C>T on the coding strand, the complement: ABCB7 is on the minus strand). VCF-style: chrX-75062341-G-A. GRCh37 (hg19) VCF-style: chrX-74282176-G-A.
Other names: c.1802C>T, p.Ser601Leu (NM_001271697.3); c.1844C>T, p.Ser615Leu (NM_001271698.3); c.1805C>T, p.Ser602Leu (NM_001271699.3); c.1925C>T, p.Ser642Leu (NM_004299.6); c.1925C>T (NM_004299.3); short protein forms S601L, S602L, S615L, S641L, S642L.
Identifiers: ClinVar variation 2571371 (VCV002571371.28), dbSNP rs1002483499, ClinGen allele CA331330242.

ClinVar aggregate classification (germline): Uncertain significance. Review status: criteria provided, multiple submitters, no conflicts (2 of 4 stars). 2 submissions from 2 submitters: Uncertain significance (2). Last evaluated 2024-04-16.

Conditions:
Inborn genetic diseases. Identifiers: MedGen C0950123, MeSH D030342.

Allele frequency attached by ClinVar (database versions not stated): gnomAD exomes 0.00002; TOPMed 0.00003; gnomAD 0.00005.
gnomAD v4.1: 23 of 1,204,674 alleles (0.0019%); highest among the groups gnomAD compares: African/African-American, 0.012%; no homozygotes.

Submissions (2):

Ambry Genetics
Classification: Uncertain significance for Inborn genetic diseases. Last evaluated: 2024-04-16. Review status: criteria provided, single submitter. Criteria: Ambry Variant Classification Scheme 2023. Collection method: clinical testing. Allele origin: germline.

CeGaT Center for Human Genetics Tuebingen
Classification: Uncertain significance. Last evaluated: 2023-06-01. Review status: criteria provided, single submitter. Criteria: CeGaT Center For Human Genetics Tuebingen Variant Classification Criteria Version 2. Collection method: clinical testing. Allele origin: germline. Affected: yes. Observed: 1 variant allele.
Comment: ABCB7: PP2, PP3